The following is an entry in ClinVar:

NM_001348716.2(KDM6B):c.3937CCT[1] (p.Pro1314del)

Genes: KDM6B (lysine demethylase 6B; plus strand), LOC121587574 (Sharpr-MPRA regulatory region 3930; plus strand). Cytogenetic location: 17p13.1.
Variant type: Microsatellite.
Coding change: c.3937CCT[1] on transcript NM_001348716.2 (MANE Select); one copy of the 3-base unit CCT starting at c.3937; the reference has two copies in a row; one copy, 3 bases deleted.
Protein change: p.Pro1314del; deletes proline 1314.
Molecular consequence: inframe deletion.
Genome position (GRCh38, 1-based): chr17:7,851,390-7,851,392, CCT deleted; deleting any 3 consecutive bases within chr17:7,851,387-7,851,392 gives the same sequence; the position shown is the placement nearest the transcript's 3' end. VCF-style (leftmost placement, unchanged base first): chr17-7851386-CCCT-C. GRCh37 (hg19) VCF-style: chr17-7754704-CCCT-C.
Other names: c.3937CCT[1], p.Pro1314del (NM_001080424.2); short protein forms P1314del.
Identifiers: ClinVar variation 1800918 (VCV001800918.1), dbSNP rs779279876, ClinGen allele CA8361301.

ClinVar aggregate classification (germline): Uncertain significance (1 of 4 stars; one submission).

Submission:

GeneDx
Classification: Uncertain significance. Last evaluated: 2022-05-27. Review status: criteria provided, single submitter. Criteria: GeneDx Variant Classification Process June 2021. Collection method: clinical testing. Allele origin: germline. Affected: yes.
Comment: In-frame deletion of 1 amino acid in a non-repeat region; In silico analysis supports a deleterious effect on protein structure/function; Has not been previously published as pathogenic or benign to our knowledge